The following is an entry in ClinVar:

ClinVar aggregate classification (germline): Likely benign (1 of 4 stars; one submission).

Conditions:
Lynch syndrome 5 (LYNCH5). Also called: Colorectal cancer, hereditary nonpolyposis, type 5; Hereditary non-polyposis colorectal cancer, type 5. Identifiers: Orphanet 144, MedGen C1833477, MONDO:0013710, OMIM 614350. Disease mechanism: loss of function.

Submission:

Myriad Genetics, Inc.
Classification: Likely benign for Lynch syndrome 5. Last evaluated: 2025-01-08. Review status: criteria provided, single submitter. Criteria: Myriad Autosomal Dominant, Autosomal Recessive and X-Linked Classification Criteria (2023). Collection method: clinical testing. Allele origin: unknown.
Comment: This variant is considered likely benign. This variant is intronic and is not expected to impact mRNA splicing.

NM_000179.3(MSH6):c.3802-20T>C

Gene: MSH6 (mutS homolog 6; plus strand). Cytogenetic location: 2p16.3.
Variant type: single nucleotide variant.
Coding change: c.3802-20T>C on transcript NM_000179.3 (MANE Select); 20 bases into the intron before coding-DNA position 3802, T replaced by C.
Molecular consequence: intron variant.
Genome position (GRCh38, 1-based): chr2:47,806,432, T>C. VCF-style: chr2-47806432-T-C. GRCh37 (hg19) VCF-style: chr2-48033571-T-C.
Other names: c.3802-20T>C (NM_001406809.1, NM_001406796.1, NM_001406808.1); c.2896-20T>C (NM_001406811.1, NM_001406814.1, NM_001281493.2 and 6 more transcripts); c.3505-20T>C (NM_001406805.1, NM_001406797.1, NM_001406801.1 and 10 more transcripts); c.3898-20T>C (NM_001406795.1); c.3897+74T>C (NM_001406802.1); c.3808-20T>C (NM_001406813.1); c.3277-20T>C (NM_001406807.1, NM_001406799.1, NM_001406806.1); c.3802-33T>C (NM_001406800.1); and 9 more.
Identifiers: ClinVar variation 3903517 (VCV003903517.1).